The following is an entry in ClinVar:

ClinVar aggregate classification (germline): Likely benign (1 of 4 stars; one submission).

Submission:

GeneDx
Classification: Likely benign. Last evaluated: 2019-09-03. Review status: criteria provided, single submitter. Criteria: GeneDx Variant Classification Process June 2021. Collection method: clinical testing. Allele origin: germline. Affected: yes.
Comment: Not observed in large population cohorts (Lek et al., 2016); In silico analysis, which includes protein predictors and evolutionary conservation, supports that this variant does not alter protein structure/function; Has not been previously published as pathogenic or benign to our knowledge

NM_006766.5(KAT6A):c.5644G>A (p.Val1882Ile)

Gene: KAT6A (lysine acetyltransferase 6A; minus strand). Cytogenetic location: 8p11.21.
Variant type: single nucleotide variant.
Coding change: c.5644G>A on transcript NM_006766.5 (MANE Select); coding-DNA position 5644, G replaced by A.
Protein change: p.Val1882Ile; replaces valine 1882 with isoleucine.
Molecular consequence: missense variant.
Genome position (GRCh38, 1-based): chr8:41,932,576, C>T on the plus strand (G>A on the coding strand, the complement: KAT6A is on the minus strand). VCF-style: chr8-41932576-C-T. GRCh37 (hg19) VCF-style: chr8-41790094-C-T.
Other names: short protein forms V1882I.
Identifiers: ClinVar variation 1186257 (VCV001186257.2), dbSNP rs2150854801, ClinGen allele CA371061041.